The following is an entry in ClinVar:

NM_014714.4(IFT140):c.997T>G (p.Cys333Gly)

Genes: IFT140 (intraflagellar transport 140; minus strand), LOC105371046 (uncharacterized LOC105371046; plus strand). Cytogenetic location: 16p13.3.
Variant type: single nucleotide variant.
Coding change: c.997T>G on transcript NM_014714.4 (MANE Select); coding-DNA position 997, T replaced by G.
Protein change: p.Cys333Gly; replaces cysteine 333 with glycine.
Molecular consequence: missense variant.
Genome position (GRCh38, 1-based): chr16:1,587,210, A>C on the plus strand (T>G on the coding strand, the complement: IFT140 is on the minus strand). VCF-style: chr16-1587210-A-C. GRCh37 (hg19) VCF-style: chr16-1637211-A-C.
Other names: short protein forms C333G.
Identifiers: ClinVar variation 2028105 (VCV002028105.4), dbSNP rs2141851372, ClinGen allele CA394216654.

ClinVar aggregate classification (germline): Uncertain significance (1 of 4 stars; one submission).

Conditions:
Saldino-Mainzer syndrome (SRTD9). Also called: CONORENAL SYNDROME; Renal dysplasia, retinal pigmentary dystrophy, cerebellar ataxia and skeletal dysplasia; SHORT-RIB THORACIC DYSPLASIA 9 WITHOUT POLYDACTYLY; short-rib thoracic dysplasia 9 with or without polydactyly. Identifiers: Orphanet 140969, MedGen C1849437, MONDO:0009964, OMIM 266920.

Submission:

Labcorp Genetics (formerly Invitae), Labcorp
Classification: Uncertain significance for Saldino-Mainzer syndrome. Last evaluated: 2025-04-16. Review status: criteria provided, single submitter. Criteria: Invitae Variant Classification Sherloc (09022015). Collection method: clinical testing. Allele origin: germline.
Comment: This sequence change replaces cysteine, which is neutral and slightly polar, with glycine, which is neutral and non-polar, at codon 333 of the IFT140 protein (p.Cys333Gly). This variant is not present in population databases (gnomAD no frequency). This missense change has been observed in individual(s) with clinical features of IFT140-related conditions (internal data). ClinVar contains an entry for this variant (Variation ID: 2028105). Invitae Evidence Modeling of protein sequence and biophysical properties (such as structural, functional, and spatial information, amino acid conservation, physicochemical variation, residue mobility, and thermodynamic stability) has been performed for this missense variant. However, the output from this modeling did not meet the statistical confidence thresholds required to predict the impact of this variant on IFT140 protein function. This variant disrupts the p.Cys333 amino acid residue in IFT140. Other variant(s) that disrupt this residue have been determined to be pathogenic (PMID: 26968735). This suggests that this residue is clinically significant, and that variants that disrupt this residue are likely to be disease-causing. In summary, the available evidence is currently insufficient to determine the role of this variant in disease. Therefore, it has been classified as a Variant of Uncertain Significance.

Literature cited by the submitters: PubMed 26968735.